The following is an entry in ClinVar:

NM_001242896.3(DEPDC5):c.821T>C (p.Ile274Thr)

Gene: DEPDC5 (DEP domain containing 5, GATOR1 subcomplex subunit; plus strand). Cytogenetic location: 22q12.2.
Variant type: single nucleotide variant.
Coding change: c.821T>C on transcript NM_001242896.3 (MANE Select); coding-DNA position 821, T replaced by C.
Protein change: p.Ile274Thr; replaces isoleucine 274 with threonine.
Molecular consequence: missense variant. On other transcripts: non-coding transcript variant (5).
Genome position (GRCh38, 1-based): chr22:31,797,653, T>C. VCF-style: chr22-31797653-T-C. GRCh37 (hg19) VCF-style: chr22-32193639-T-C.
Other names: c.821T>C, p.Ile274Thr (NM_001007188.4, NM_001136029.4, NM_001242897.2 and 7 more transcripts); c.737T>C, p.Ile246Thr (NM_001369901.1, NM_001369902.1); short protein forms I246T, I274T.
Identifiers: ClinVar variation 1514412 (VCV001514412.8), dbSNP rs1172897578, ClinGen allele CA411290615.

ClinVar aggregate classification (germline): Uncertain significance (1 of 4 stars; one submission).

Conditions:
Familial focal epilepsy with variable foci (FPEVF). Identifiers: Orphanet 98820, MedGen C1858477, MONDO:0020310.

Allele frequency attached by ClinVar (database versions not stated): gnomAD exomes below 0.00001; gnomAD 0.00001.
gnomAD v4.1: 2 of 1,613,928 alleles (0.00012%); highest among the groups gnomAD compares: African/African-American, 0.0027%; no homozygotes.

Submission:

Labcorp Genetics (formerly Invitae), Labcorp
Classification: Uncertain significance for Familial focal epilepsy with variable foci. Last evaluated: 2024-08-19. Review status: criteria provided, single submitter. Criteria: Invitae Variant Classification Sherloc (09022015). Collection method: clinical testing. Allele origin: germline.
Comment: This sequence change replaces isoleucine, which is neutral and non-polar, with threonine, which is neutral and polar, at codon 274 of the DEPDC5 protein (p.Ile274Thr). This variant is present in population databases (no rsID available, gnomAD 0.01%). This variant has not been reported in the literature in individuals affected with DEPDC5-related conditions. ClinVar contains an entry for this variant (Variation ID: 1514412). Experimental studies and prediction algorithms are not available or were not evaluated, and the functional significance of this variant is currently unknown. In summary, the available evidence is currently insufficient to determine the role of this variant in disease. Therefore, it has been classified as a Variant of Uncertain Significance.